The following is an entry in ClinVar:

ClinVar aggregate classification (germline): Uncertain significance. Review status: criteria provided, multiple submitters, no conflicts (2 of 4 stars). 2 submissions from 2 submitters: Uncertain significance (2). Last evaluated 2025-10-02.

Conditions:
Inborn genetic diseases. Identifiers: MedGen C0950123, MeSH D030342.

Allele frequency attached by ClinVar (database versions not stated): gnomAD exomes below 0.00001; gnomAD 0.00001; TOPMed 0.00001; ExAC 0.00002; 1000 Genomes Project 30x 0.00016; 1000 Genomes Project 0.00020.
gnomAD v4.1: 8 of 1,613,764 alleles (0.0005%); highest among the groups gnomAD compares: African/African-American, 0.004%; no homozygotes.

Submissions (2):

Ambry Genetics
Classification: Uncertain significance for Inborn genetic diseases. Last evaluated: 2025-10-02. Review status: criteria provided, single submitter. Criteria: Ambry Variant Classification Scheme 2023. Collection method: clinical testing. Allele origin: germline.

Labcorp Genetics (formerly Invitae), Labcorp
Classification: Uncertain significance. Last evaluated: 2022-07-12. Review status: criteria provided, single submitter. Criteria: Invitae Variant Classification Sherloc (09022015). Collection method: clinical testing. Allele origin: germline.
Comment: This variant is present in population databases (rs534113243, gnomAD 0.01%). This sequence change replaces alanine, which is neutral and non-polar, with valine, which is neutral and non-polar, at codon 147 of the CACNA2D4 protein (p.Ala147Val). This variant has not been reported in the literature in individuals affected with CACNA2D4-related conditions. In summary, the available evidence is currently insufficient to determine the role of this variant in disease. Therefore, it has been classified as a Variant of Uncertain Significance. Algorithms developed to predict the effect of missense changes on protein structure and function are either unavailable or do not agree on the potential impact of this missense change (SIFT: "Deleterious"; PolyPhen-2: "Benign"; Align-GVGD: "Class C0").

NM_172364.5(CACNA2D4):c.440C>T (p.Ala147Val)

Gene: CACNA2D4 (calcium voltage-gated channel auxiliary subunit alpha2delta 4; minus strand). Cytogenetic location: 12p13.33.
Variant type: single nucleotide variant.
Coding change: c.440C>T on transcript NM_172364.5 (MANE Select); coding-DNA position 440, C replaced by T.
Protein change: p.Ala147Val; replaces alanine 147 with valine.
Molecular consequence: missense variant.
Genome position (GRCh38, 1-based): chr12:1,909,952, G>A on the plus strand (C>T on the coding strand, the complement: CACNA2D4 is on the minus strand). VCF-style: chr12-1909952-G-A. GRCh37 (hg19) VCF-style: chr12-2019118-G-A.
Other names: c.440C>T (NM_172364.4); short protein forms A147V.
Identifiers: ClinVar variation 1948816 (VCV001948816.6), dbSNP rs534113243, ClinGen allele CA6387524.